The following is an entry in ClinVar:

ClinVar aggregate classification (germline): Uncertain significance (1 of 4 stars; one submission).

Conditions:
Multiple endocrine neoplasia, type 2 (MEN2). Identifiers: Orphanet 653, MedGen C4048306, MONDO:0019003. Disease mechanism: gain of function.

Allele frequency attached by ClinVar (database versions not stated): TOPMed below 0.00001; gnomAD 0.00001.
gnomAD v4.1: 1 of 1,613,992 alleles (0.000062%); highest among the groups gnomAD compares: Non-Finnish European, 0.000085%; no homozygotes.

Submission:

Labcorp Genetics (formerly Invitae), Labcorp
Classification: Uncertain significance for Multiple endocrine neoplasia, type 2. Last evaluated: 2024-04-15. Review status: criteria provided, single submitter. Criteria: Invitae Variant Classification Sherloc (09022015). Collection method: clinical testing. Allele origin: germline.
Comment: This sequence change replaces serine, which is neutral and polar, with threonine, which is neutral and polar, at codon 561 of the RET protein (p.Ser561Thr). This variant is not present in population databases (gnomAD no frequency). This variant has not been reported in the literature in individuals affected with RET-related conditions. ClinVar contains an entry for this variant (Variation ID: 571445). An algorithm developed to predict the effect of missense changes on protein structure and function (PolyPhen-2) suggests that this variant is likely to be tolerated. In summary, the available evidence is currently insufficient to determine the role of this variant in disease. Therefore, it has been classified as a Variant of Uncertain Significance.

NM_020975.6(RET):c.1682G>C (p.Ser561Thr)

Gene: RET (ret proto-oncogene; plus strand). Cytogenetic location: 10q11.21.
Variant type: single nucleotide variant.
Coding change: c.1682G>C on transcript NM_020975.6 (MANE Select); coding-DNA position 1682, G replaced by C.
Protein change: p.Ser561Thr; replaces serine 561 with threonine.
Molecular consequence: missense variant.
Genome position (GRCh38, 1-based): chr10:43,112,886, G>C. VCF-style: chr10-43112886-G-C. GRCh37 (hg19) VCF-style: chr10-43608334-G-C.
Other names: c.1682G>C, p.Ser561Thr (NM_000323.2, NM_001406743.1, NM_001406744.1 and 6 more transcripts); c.920G>C, p.Ser307Thr (NM_001355216.2); c.1553G>C, p.Ser518Thr (NM_001406761.1, NM_001406762.1, NM_001406764.1 and 1 more transcripts); c.1394G>C, p.Ser465Thr (NM_001406766.1, NM_001406767.1, NM_001406770.1); c.1286G>C, p.Ser429Thr (NM_001406769.1, NM_001406772.1); c.1244G>C, p.Ser415Thr (NM_001406771.1, NM_001406773.1); c.1157G>C, p.Ser386Thr (NM_001406774.1); c.956G>C, p.Ser319Thr (NM_001406775.1, NM_001406776.1, NM_001406777.1 and 1 more transcripts); and 5 more; short protein forms S561T, S307T, S262T, S386T, S415T, S465T, S166T, S219T.
Identifiers: ClinVar variation 571445 (VCV000571445.11), dbSNP rs1161678851, ClinGen allele CA376551858.
Genomic context (GRCh38, chr10:43,112,886, plus strand): 5'-TGACAGCCTGCTGTGTGTCCTGTGCAGGGATCACCAGGAACTTCTCCACCTGCTCTCCCA[G>C]CACCAAGACCTGCCCCGACGGCCACTGCGATGTTGTGGAGACCCAAGACATCAACATTTG-3'
Protein context (NP_066124.1, residues 551-571): ITRNFSTCSP[Ser561Thr]TKTCPDGHCD